The following is an entry in ClinVar:

NM_033641.4(COL4A6):c.283C>T (p.Pro95Ser)

Gene: COL4A6 (collagen type IV alpha 6 chain; minus strand). Cytogenetic location: Xq22.3.
Variant type: single nucleotide variant.
Coding change: c.283C>T on transcript NM_033641.4 (MANE Select); coding-DNA position 283, C replaced by T.
Protein change: p.Pro95Ser; replaces proline 95 with serine.
Molecular consequence: missense variant.
Genome position (GRCh38, 1-based): chrX:108,219,739, G>A on the plus strand (C>T on the coding strand, the complement: COL4A6 is on the minus strand). VCF-style: chrX-108219739-G-A. GRCh37 (hg19) VCF-style: chrX-107462969-G-A.
Other names: c.283C>T, p.Pro95Ser (NM_001287758.2, NM_001287759.2, NM_001287760.2); c.286C>T, p.Pro96Ser (NM_001847.4); short protein forms P95S, P96S.
Identifiers: ClinVar variation 2992151 (VCV002992151.3), dbSNP rs928894320, ClinGen allele CA334037972.

ClinVar aggregate classification (germline): Uncertain significance (1 of 4 stars; one submission).

Allele frequency attached by ClinVar (database versions not stated): TOPMed below 0.00001.
gnomAD v4.1: 6 of 1,204,859 alleles (0.0005%); highest among the groups gnomAD compares: Middle Eastern, 0.023%; no homozygotes.

Submission:

Labcorp Genetics (formerly Invitae), Labcorp
Classification: Uncertain significance. Last evaluated: 2023-05-05. Review status: criteria provided, single submitter. Criteria: Invitae Variant Classification Sherloc (09022015). Collection method: clinical testing. Allele origin: germline.
Comment: Advanced modeling of protein sequence and biophysical properties (such as structural, functional, and spatial information, amino acid conservation, physicochemical variation, residue mobility, and thermodynamic stability) performed at Invitae indicates that this missense variant is not expected to disrupt COL4A6 protein function. This sequence change replaces proline, which is neutral and non-polar, with serine, which is neutral and polar, at codon 96 of the COL4A6 protein (p.Pro96Ser). The frequency data for this variant in the population databases is considered unreliable, as metrics indicate poor data quality at this position in the gnomAD database. This variant has not been reported in the literature in individuals affected with COL4A6-related conditions. In summary, the available evidence is currently insufficient to determine the role of this variant in disease. Therefore, it has been classified as a Variant of Uncertain Significance.